The following is an entry in ClinVar:

ClinVar aggregate classification (germline): Uncertain significance (1 of 4 stars; one submission).

Conditions:
Marbach-Schaaf neurodevelopmental syndrome (MASNS). Identifiers: Orphanet 692173, MedGen C5562050, MONDO:0859214, OMIM 619680.

Allele frequency attached by ClinVar (database versions not stated): gnomAD exomes below 0.00001; TOPMed below 0.00001.
gnomAD v4.1: 5 of 1,614,104 alleles (0.00031%); highest among the groups gnomAD compares: Non-Finnish European, 0.00025%; no homozygotes.

Submission:

Center for Human Genetics and Genomic Medicine, Uniklinik Rwth Aachen
Classification: Uncertain significance for Marbach-Schaaf neurodevelopmental syndrome. Last evaluated: 2022-04-11. Review status: criteria provided, single submitter. Criteria: ACMG Guidelines, 2015. Collection method: clinical testing. Allele origin: unknown. Inheritance: Autosomal dominant inheritance. Affected: yes. Observed: 1 heterozygote.
Comment: The detected change is not listed in control collectives (gnomAD) and has not been described in the literature or in the ClinVar database (as of April 11, 2022). Bioinformatically, it is classified as "probably disease-causing" (CADDphred 32). Based on the current state of knowledge, the variant can be classified as a “variant of uncertain significance” (ACMG criteria).

NM_001164760.2(PRKAR1B):c.809C>T (p.Ala270Val)

Gene: PRKAR1B (protein kinase cAMP-dependent type I regulatory subunit beta; minus strand). Cytogenetic location: 7p22.3.
Variant type: single nucleotide variant.
Coding change: c.809C>T on transcript NM_001164760.2 (MANE Select); coding-DNA position 809, C replaced by T.
Protein change: p.Ala270Val; replaces alanine 270 with valine.
Molecular consequence: missense variant.
Genome position (GRCh38, 1-based): chr7:579,338, G>A on the plus strand (C>T on the coding strand, the complement: PRKAR1B is on the minus strand). VCF-style: chr7-579338-G-A. GRCh37 (hg19) VCF-style: chr7-618975-G-A.
Other names: c.809C>T, p.Ala270Val (NM_001164758.2, NM_001164759.1, NM_001164761.2 and 2 more transcripts); short protein forms A270V.
Identifiers: ClinVar variation 1684301 (VCV001684301.3), dbSNP rs1317364396, ClinGen allele CA366547408.